The following is an entry in ClinVar:

ClinVar aggregate classification (germline): Uncertain significance (1 of 4 stars; one submission).

Submission:

Ambry Genetics
Classification: Uncertain significance. Last evaluated: 2025-01-04. Review status: criteria provided, single submitter. Criteria: Ambry Variant Classification Scheme 2023. Collection method: clinical testing. Allele origin: germline.
Comment: The p.K363R variant (also known as c.1088A>G), located in coding exon 11 of the ILK gene, results from an A to G substitution at nucleotide position 1088. The lysine at codon 363 is replaced by arginine, an amino acid with highly similar properties. This amino acid position is conserved. In addition, the in silico prediction for this alteration is inconclusive. Based on the available evidence, the clinical significance of this variant remains unclear.

NM_004517.4(ILK):c.1088A>G (p.Lys363Arg)

Genes: ILK (integrin linked kinase; plus strand), TAF10 (TATA-box binding protein associated factor 10; minus strand). Cytogenetic location: 11p15.4.
Variant type: single nucleotide variant.
Coding change: c.1088A>G on transcript NM_004517.4 (MANE Select); coding-DNA position 1088, A replaced by G.
Protein change: p.Lys363Arg; replaces lysine 363 with arginine.
Molecular consequence: missense variant. On other transcripts: 3 prime UTR variant (1).
Genome position (GRCh38, 1-based): chr11:6,610,157, A>G. VCF-style: chr11-6610157-A-G. GRCh37 (hg19) VCF-style: chr11-6631388-A-G.
Other names: c.1088A>G, p.Lys363Arg (NM_001014794.3, NM_001014795.3); c.905A>G, p.Lys302Arg (NM_001278441.2); c.686A>G, p.Lys229Arg (NM_001278442.2); c.*765T>C (NM_006284.4); short protein forms K302R, K363R, K229R.
Identifiers: ClinVar variation 3860405 (VCV003860405.1).